The following is an entry in ClinVar:

ClinVar aggregate classification (germline): Uncertain significance (1 of 4 stars; one submission).

Submission:

Labcorp Genetics (formerly Invitae), Labcorp
Classification: Uncertain significance. Last evaluated: 2023-08-05. Review status: criteria provided, single submitter. Criteria: Invitae Variant Classification Sherloc (09022015). Collection method: clinical testing. Allele origin: germline.
Comment: This sequence change replaces glycine, which is neutral and non-polar, with arginine, which is basic and polar, at codon 738 of the LRP5 protein (p.Gly738Arg). This variant is not present in population databases (gnomAD no frequency). This variant has not been reported in the literature in individuals affected with LRP5-related conditions. Advanced modeling of protein sequence and biophysical properties (such as structural, functional, and spatial information, amino acid conservation, physicochemical variation, residue mobility, and thermodynamic stability) has been performed at Invitae for this missense variant, however the output from this modeling did not meet the statistical confidence thresholds required to predict the impact of this variant on LRP5 protein function. In summary, the available evidence is currently insufficient to determine the role of this variant in disease. Therefore, it has been classified as a Variant of Uncertain Significance.

NM_002335.4(LRP5):c.2212G>A (p.Gly738Arg)

Gene: LRP5 (LDL receptor related protein 5; plus strand). Cytogenetic location: 11q13.2.
Variant type: single nucleotide variant.
Coding change: c.2212G>A on transcript NM_002335.4 (MANE Select); coding-DNA position 2212, G replaced by A.
Protein change: p.Gly738Arg; replaces glycine 738 with arginine.
Molecular consequence: missense variant.
Genome position (GRCh38, 1-based): chr11:68,410,034, G>A. VCF-style: chr11-68410034-G-A. GRCh37 (hg19) VCF-style: chr11-68177502-G-A.
Other names: c.469G>A, p.Gly157Arg (NM_001291902.2); short protein forms G157R, G738R.
Identifiers: ClinVar variation 2750549 (VCV002750549.3), dbSNP rs2496740185, ClinGen allele CA381616519.